The following is an entry in ClinVar:

ClinVar aggregate classification (germline): Pathogenic (1 of 4 stars; one submission).

Conditions:
Primary ciliary dyskinesia. Also called: Ciliary dyskinesia. Identifiers: Orphanet 244, MedGen C0008780, MONDO:0016575, HP:0012265.

Submission:

Labcorp Genetics (formerly Invitae), Labcorp
Classification: Pathogenic for Primary ciliary dyskinesia. Last evaluated: 2024-05-07. Review status: criteria provided, single submitter. Criteria: Invitae Variant Classification Sherloc (09022015). Collection method: clinical testing. Allele origin: germline.
Comment: This sequence change creates a premature translational stop signal (p.Glu971Glyfs*106) in the RPGR (ORF15) gene. While this is not anticipated to result in nonsense mediated decay, it is expected to disrupt the last 182 amino acid(s) of the RPGR (ORF15) protein. This variant is not present in population databases (gnomAD no frequency). This variant has not been reported in the literature in individuals affected with RPGR (ORF15)-related conditions. ClinVar contains an entry for this variant (Variation ID: 2108327). This variant disrupts a region of the RPGR (ORF15) protein in which other variant(s) (p.Leu1130Lysfs*13) have been determined to be pathogenic (PMID: 22264887; Invitae). This suggests that this is a clinically significant region of the protein, and that variants that disrupt it are likely to be disease-causing. For these reasons, this variant has been classified as Pathogenic.

Literature cited by the submitters: PubMed 22264887.

NM_001034853.2(RPGR):c.2910_2914del (p.Glu971fs)

Gene: RPGR (retinitis pigmentosa GTPase regulator; minus strand). Cytogenetic location: Xp11.4.
Variant type: Deletion.
Coding change: c.2910_2914del on transcript NM_001034853.2 (MANE Select); coding-DNA positions 2910 to 2914, 5 bases deleted (AGAAG; older notation c.2910_2914delAGAAG).
Protein change: p.Glu971fs; shifts the reading frame from glutamic acid 971.
Molecular consequence: frameshift variant. On other transcripts: intron variant (8).
Genome position (GRCh38, 1-based): chrX:38,286,085-38,286,089, CTTCT deleted on the plus strand (AGAAG on the coding strand, the reverse complement: RPGR is on the minus strand); deleting any 5 consecutive bases within chrX:38,286,085-38,286,090 gives the same sequence; the c. name uses the placement nearest the transcript's 3' end. VCF-style (leftmost placement, unchanged base first): chrX-38286084-CCTTCT-C. GRCh37 (hg19) VCF-style: chrX-38145337-CCTTCT-C.
Other names: c.1569+4870_1569+4874del (NM_001367249.1, NM_001367250.1); c.1902+1005_1902+1009del (NM_001367245.1); c.1386+4870_1386+4874del (NM_001367251.1); c.1719+1005_1719+1009del (NM_001367246.1); c.1572+4870_1572+4874del (NM_001367247.1); c.1905+1005_1905+1009del (NM_000328.3); c.1602+4870_1602+4874del (NM_001367248.1); short protein forms E971fs.
Identifiers: ClinVar variation 2108327 (VCV002108327.4), dbSNP rs2519785175, ClinGen allele CA2580100831.
Genomic context (GRCh38, chrX:38,286,084, plus strand): 5'-TCTTCCCCCTCCCCTTCTCCTTCCTCCTCTTCCCCCTCCCCTTCTCCTTCCTCCCCTTCC[CCTTCT>C]CCTTCCTCTTCCCCCTCCCCTTCTCCTTCCTCCTCTTCCCCCTCCCATTCTCCTTCCTCC-3'